The following is an entry in ClinVar:

NM_001114633.2(PLA2G4B):c.83-5C>T

Genes: JMJD7-PLA2G4B (JMJD7-PLA2G4B readthrough; plus strand), PLA2G4B (phospholipase A2 group IVB; plus strand). Cytogenetic location: 15q15.1.
Variant type: single nucleotide variant.
Coding change: c.83-5C>T on transcript NM_001114633.2 (MANE Select); 5 bases into the intron before coding-DNA position 83, C replaced by T.
Molecular consequence: intron variant.
Genome position (GRCh38, 1-based): chr15:41,840,519, C>T. VCF-style: chr15-41840519-C-T. GRCh37 (hg19) VCF-style: chr15-42132717-C-T.
Other names: c.776-5C>T (NM_005090.4, NM_001198588.2).
Identifiers: ClinVar variation 3043511 (VCV003043511.2), dbSNP rs148579102, ClinGen allele CA7499440.

ClinVar aggregate classification (germline): Benign (0 of 4 stars; one submission).

Conditions:
PLA2G4B-related disorder. Also called: PLA2G4B-related condition.

Allele frequency attached by ClinVar (database versions not stated): ExAC 0.00130; gnomAD 0.00390; 1000 Genomes Project 0.00399; 1000 Genomes Project 30x 0.00406; ESP Exome Variant Server 0.00423; TOPMed 0.00424.
gnomAD v4.1: 1,159 of 1,613,684 alleles (0.072%); highest among the groups gnomAD compares: African/African-American, 1.4%; 11 homozygotes.

Submission:

PreventionGenetics, part of Exact Sciences
Classification: Benign for PLA2G4B-related condition. Last evaluated: 2019-06-21. Review status: no assertion criteria provided. Collection method: clinical testing. Allele origin: germline.
Comment: This variant is classified as benign based on ACMG/AMP sequence variant interpretation guidelines (Richards et al. 2015 PMID: 25741868, with internal and published modifications).